The following is an entry in ClinVar:

NM_003628.6(PKP4):c.980C>T (p.Ser327Phe)

Gene: PKP4 (plakophilin 4; plus strand). Cytogenetic location: 2q24.1.
Variant type: single nucleotide variant.
Coding change: c.980C>T on transcript NM_003628.6 (MANE Select); coding-DNA position 980, C replaced by T.
Protein change: p.Ser327Phe; replaces serine 327 with phenylalanine.
Molecular consequence: missense variant. On other transcripts: 5 prime UTR variant (1).
Genome position (GRCh38, 1-based): chr2:158,625,254, C>T. VCF-style: chr2-158625254-C-T. GRCh37 (hg19) VCF-style: chr2-159481766-C-T.
Other names: c.980C>T, p.Ser327Phe (NM_001005476.4, NM_001304969.3, NM_001304971.2 and 6 more transcripts); c.-47C>T (NM_001304970.3); c.974C>T, p.Ser325Phe (NM_001377222.1, NM_001377223.1, NM_001377224.1); short protein forms S325F, S327F.
Identifiers: ClinVar variation 2563014 (VCV002563014.2), dbSNP rs775883872, ClinGen allele CA1920571.

ClinVar aggregate classification (germline): Uncertain significance (1 of 4 stars; one submission).

Allele frequency attached by ClinVar (database versions not stated): TOPMed below 0.00001; gnomAD exomes 0.00001; ExAC 0.00002.
gnomAD v4.1: 8 of 1,614,208 alleles (0.0005%); highest among the groups gnomAD compares: South Asian, 0.0077%; no homozygotes.

Submission:

Ambry Genetics
Classification: Uncertain significance. Last evaluated: 2023-05-18. Review status: criteria provided, single submitter. Criteria: Ambry Variant Classification Scheme 2023. Collection method: clinical testing. Allele origin: germline.
Comment: The p.S327F variant (also known as c.980C>T), located in coding exon 6 of the PKP4 gene, results from a C to T substitution at nucleotide position 980. The serine at codon 327 is replaced by phenylalanine, an amino acid with highly dissimilar properties. This amino acid position is conserved. In addition, the in silico prediction for this alteration is inconclusive. Since supporting evidence is limited at this time, the clinical significance of this alteration remains unclear.